The following is an entry in ClinVar:

NM_004946.3(DOCK2):c.1738G>A (p.Ala580Thr)

Gene: DOCK2 (dedicator of cytokinesis 2; plus strand). Cytogenetic location: 5q35.1.
Variant type: single nucleotide variant.
Coding change: c.1738G>A on transcript NM_004946.3 (MANE Select); coding-DNA position 1738, G replaced by A.
Protein change: p.Ala580Thr; replaces alanine 580 with threonine.
Molecular consequence: missense variant. On other transcripts: non-coding transcript variant (1).
Genome position (GRCh38, 1-based): chr5:169,714,106, G>A. VCF-style: chr5-169714106-G-A. GRCh37 (hg19) VCF-style: chr5-169141110-G-A.
Other names: short protein forms A580T.
Identifiers: ClinVar variation 949140 (VCV000949140.9), dbSNP rs151022836, ClinGen allele CA3553577.

ClinVar aggregate classification (germline): Uncertain significance (1 of 4 stars; one submission).

Conditions:
DOCK2 deficiency. Also called: Immunodeficiency 40. Identifiers: Orphanet 447737, MedGen C4225328, MONDO:0014637, OMIM 616433.

Allele frequency attached by ClinVar (database versions not stated): gnomAD exomes below 0.00001 and 0.00001; ExAC 0.00001; TOPMed 0.00002; ESP Exome Variant Server 0.00008.

Submission:

Labcorp Genetics (formerly Invitae), Labcorp
Classification: Uncertain significance for DOCK2 deficiency. Last evaluated: 2019-06-26. Review status: criteria provided, single submitter. Criteria: Invitae Variant Classification Sherloc (09022015). Collection method: clinical testing. Allele origin: germline.
Comment: In summary, the available evidence is currently insufficient to determine the role of this variant in disease. Therefore, it has been classified as a Variant of Uncertain Significance. Algorithms developed to predict the effect of missense changes on protein structure and function output the following: SIFT: "Tolerated"; PolyPhen-2: "Benign"; Align-GVGD: "Class C0". The threonine amino acid residue is found in multiple mammalian species, suggesting that this missense change does not adversely affect protein function. These predictions have not been confirmed by published functional studies and their clinical significance is uncertain. This variant has not been reported in the literature in individuals with DOCK2-related conditions. This variant is present in population databases (rs151022836, ExAC 0.01%). This sequence change replaces alanine with threonine at codon 580 of the DOCK2 protein (p.Ala580Thr). The alanine residue is moderately conserved and there is a small physicochemical difference between alanine and threonine.